The following is an entry in ClinVar:

NM_001184.4(ATR):c.5343G>T (p.Leu1781Phe)

Gene: ATR (ATR checkpoint kinase; minus strand). Cytogenetic location: 3q23.
Variant type: single nucleotide variant.
Coding change: c.5343G>T on transcript NM_001184.4 (MANE Select); coding-DNA position 5343, G replaced by T.
Protein change: p.Leu1781Phe; replaces leucine 1781 with phenylalanine.
Molecular consequence: missense variant.
Genome position (GRCh38, 1-based): chr3:142,499,664, C>A on the plus strand (G>T on the coding strand, the complement: ATR is on the minus strand). VCF-style: chr3-142499664-C-A. GRCh37 (hg19) VCF-style: chr3-142218506-C-A.
Other names: c.5151G>T, p.Leu1717Phe (NM_001354579.2); short protein forms L1717F, L1781F.
Identifiers: ClinVar variation 2453597 (VCV002453597.2), dbSNP rs2473169746, ClinGen allele CA354816923.

ClinVar aggregate classification (germline): Uncertain significance (1 of 4 stars; one submission).

Conditions:
Inborn genetic diseases. Identifiers: MedGen C0950123, MeSH D030342.

Submission:

Ambry Genetics
Classification: Uncertain significance for Inborn genetic diseases. Last evaluated: 2023-02-20. Review status: criteria provided, single submitter. Criteria: Ambry Variant Classification Scheme 2023. Collection method: clinical testing. Allele origin: germline.
Comment: The p.L1781F variant (also known as c.5343G>T), located in coding exon 31 of the ATR gene, results from a G to T substitution at nucleotide position 5343. The leucine at codon 1781 is replaced by phenylalanine, an amino acid with highly similar properties. This amino acid position is conserved. In addition, the in silico prediction for this alteration is inconclusive. Since supporting evidence is limited at this time, the clinical significance of this alteration remains unclear.